The following is an entry in ClinVar:

ClinVar aggregate classification (germline): Uncertain significance. Review status: criteria provided, multiple submitters, no conflicts (2 of 4 stars). 2 submissions from 2 submitters: Uncertain significance (2). Last evaluated 2026-08-06.

Conditions:
ERCC2-related disorder. Also called: ERCC2-related disorders; ERCC2-related conditions; ERCC2-related condition. Identifiers: MedGen CN239291.

Allele frequency attached by ClinVar (database versions not stated): ESP Exome Variant Server 0.00015; TOPMed 0.00002; gnomAD 0.00006.
gnomAD v4.1: 62 of 1,613,884 alleles (0.0038%); highest among the groups gnomAD compares: East Asian, 0.027%; no homozygotes.

Submissions (2):

Myriad Genetics, Inc.
Classification: Uncertain significance for ERCC2-related disorder. Last evaluated: 2026-08-06. Review status: criteria provided, single submitter. Criteria: Myriad Autosomal Dominant, Autosomal Recessive and X-Linked Classification Criteria (2023). Collection method: clinical testing. Allele origin: unknown.
Comment: NM_000400.3(ERCC2):c.2165G>A(R722Q) is a missense variant classified as a variant of uncertain significance in the context of ERCC2-related disorders. R722Q has not been observed in cases with relevant disease. Relevant functional assessments of this variant are not available in the literature. R722Q has been observed in referenced population frequency databases. In summary, there is insufficient evidence to classify NM_000400.3(ERCC2):c.2165G>A(R722Q) as pathogenic or benign. Please note: this variant was assessed in the context of healthy population screening.

Labcorp Genetics (formerly Invitae), Labcorp
Classification: Uncertain significance. Last evaluated: 2022-07-30. Review status: criteria provided, single submitter. Criteria: Invitae Variant Classification Sherloc (09022015). Collection method: clinical testing. Allele origin: germline.
Comment: This sequence change replaces arginine, which is basic and polar, with glutamine, which is neutral and polar, at codon 722 of the ERCC2 protein (p.Arg722Gln). This variant is present in population databases (rs138569838, gnomAD 0.01%). This variant has not been reported in the literature in individuals affected with ERCC2-related conditions. ClinVar contains an entry for this variant (Variation ID: 1035665). Algorithms developed to predict the effect of missense changes on protein structure and function are either unavailable or do not agree on the potential impact of this missense change (SIFT: "Deleterious"; PolyPhen-2: "Possibly Damaging"; Align-GVGD: "Class C0"). Algorithms developed to predict the effect of sequence changes on RNA splicing suggest that this variant may create or strengthen a splice site. This variant disrupts the p.Arg722 amino acid residue in ERCC2. Other variant(s) that disrupt this residue have been determined to be pathogenic (PMID: 8571952, 9651581, 22705887, 23039039, 31282071). This suggests that this residue is clinically significant, and that variants that disrupt this residue are likely to be disease-causing. In summary, the available evidence is currently insufficient to determine the role of this variant in disease. Therefore, it has been classified as a Variant of Uncertain Significance.

Literature cited by the submitters: PubMed 8571952 (cited by Labcorp Genetics (formerly Invitae), Labcorp); PubMed 9651581 (cited by Labcorp Genetics (formerly Invitae), Labcorp); PubMed 22705887 (cited by Labcorp Genetics (formerly Invitae), Labcorp); PubMed 23039039 (cited by Labcorp Genetics (formerly Invitae), Labcorp); PubMed 31282071 (cited by Labcorp Genetics (formerly Invitae), Labcorp).

NM_000400.4(ERCC2):c.2165G>A (p.Arg722Gln)

Gene: ERCC2 (ERCC excision repair 2, TFIIH core complex helicase subunit; minus strand). Cytogenetic location: 19q13.32.
Variant type: single nucleotide variant.
Coding change: c.2165G>A on transcript NM_000400.4 (MANE Select); coding-DNA position 2165, G replaced by A.
Protein change: p.Arg722Gln; replaces arginine 722 with glutamine.
Molecular consequence: missense variant.
Genome position (GRCh38, 1-based): chr19:45,352,234, C>T on the plus strand (G>A on the coding strand, the complement: ERCC2 is on the minus strand). VCF-style: chr19-45352234-C-T. GRCh37 (hg19) VCF-style: chr19-45855492-C-T.
Other names: short protein forms R722Q.
Identifiers: ClinVar variation 1035665 (VCV001035665.5), dbSNP rs138569838, ClinGen allele CA9512862.
Genomic context (GRCh38, chr19:45,352,234, plus strand): 5'-CTGGGAGGGTGCCGGGAGGGGGACGCAGGCCTCACCCGGTGGAAGGGCTGTGCCATCTGC[C>T]GCAGGAAGTACTTGGCCACCTGGACACCCTCGTCCACGGTCAGGTTGAGGTTGGCATCTG-3'
Protein context (NP_000391.1, residues 712-732): EGVQVAKYFL[Arg722Gln]QMAQPFHRED